The following is an entry in ClinVar:

NM_001042492.3(NF1):c.704A>G (p.Tyr235Cys)

Gene: NF1 (neurofibromin 1; plus strand). Cytogenetic location: 17q11.2.
Variant type: single nucleotide variant.
Coding change: c.704A>G on transcript NM_001042492.3 (MANE Select); coding-DNA position 704, A replaced by G.
Protein change: p.Tyr235Cys; replaces tyrosine 235 with cysteine.
Molecular consequence: missense variant.
Genome position (GRCh38, 1-based): chr17:31,181,759, A>G. VCF-style: chr17-31181759-A-G. GRCh37 (hg19) VCF-style: chr17-29508777-A-G.
Other names: c.704A>G, p.Tyr235Cys (NM_001128147.3, NM_000267.4); short protein forms Y235C.
Identifiers: ClinVar variation 2499801 (VCV002499801.1), dbSNP rs1597658649, ClinGen allele CA398990061.

ClinVar aggregate classification (germline): Uncertain significance (1 of 4 stars; one submission).

Allele frequency attached by ClinVar (database versions not stated): gnomAD exomes below 0.00001.
gnomAD v4.1: 1 of 1,608,738 alleles (0.000062%); highest among the groups gnomAD compares: Non-Finnish European, 0.000085%; no homozygotes.

Submission:

GeneDx
Classification: Uncertain significance. Last evaluated: 2022-10-18. Review status: criteria provided, single submitter. Criteria: GeneDx Variant Classification Process June 2021. Collection method: clinical testing. Allele origin: germline. Affected: yes.
Comment: Not observed at significant frequency in large population cohorts (gnomAD); In silico analysis supports that this missense variant has a deleterious effect on protein structure/function; Has not been previously published as pathogenic or benign to our knowledge